The following is an entry in ClinVar:

NM_003119.4(SPG7):c.2181+2dup

Gene: SPG7 (SPG7 matrix AAA peptidase subunit, paraplegin; plus strand). Cytogenetic location: 16q24.3.
Variant type: Duplication.
Coding change: c.2181+2dup on transcript NM_003119.4 (MANE Select); the canonical splice donor site of the intron after coding-DNA position 2181, one base duplicated (T; older notation c.2181+2dupT).
Molecular consequence: splice donor variant.
Genome position (GRCh38, 1-based): chr16:89,554,565, T duplicated. VCF-style (leftmost placement, unchanged base first): chr16-89554564-G-GT. GRCh37 (hg19) VCF-style: chr16-89620972-G-GT.
Other names: c.2181+2dup (NM_001363850.1).
Identifiers: ClinVar variation 3242468 (VCV003242468.1).
Genomic context (GRCh38, chr16:89,554,564, plus strand): 5'-GCCAAGGCCTACAGACACACCGAGAAGGTGCTGCAGGACAACCTGGACAAGTTGCAGGCG[G>GT]TGAGGCCCTGGCCAGGCGTGGGGGCTACGGCGTCACACAGTGTCCACACAGCACCCACGG-3'

ClinVar aggregate classification (germline): Likely pathogenic (1 of 4 stars; one submission).

Conditions:
Hereditary spastic paraplegia 7 (SPG7). Also called: Autosomal recessive spastic paraplegia type 7; SPASTIC PARAPLEGIA 7, AUTOSOMAL RECESSIVE, WITH OR WITHOUT CEREBELLAR ATAXIA; Spastic paraplegia 7; Hereditary spastic paraplegia Paraplegin type; SPG7-related neurologic disorder. Identifiers: Orphanet 99013, MedGen C1846564, MONDO:0011803, OMIM 607259.

Submission:

PROSPAX: an integrated multimodal progression  chart in spastic ataxias, Center for Neurology; Hertie-Institute for Clinical Brain Research
Classification: Likely pathogenic for Hereditary spastic paraplegia 7. Last evaluated: 2022-01-01. Review status: criteria provided, single submitter. Criteria: ACMG Guidelines, 2015. Collection method: research. Allele origin: germline. Affected: yes.
Comment: Variant seen in compound het: [c.1749G>C;c.2181+2dup]